The following is an entry in ClinVar:

ClinVar aggregate classification (germline): Uncertain significance (1 of 4 stars; one submission).

Conditions:
Malignant hyperthermia, susceptibility to, 5 (MHS5). Also called: CACNA1S-Related Malignant Hyperthermia Susceptibility. Identifiers: Orphanet 423, MedGen C1866077, MONDO:0011163, OMIM 601887.
Hypokalemic periodic paralysis, type 1. Also called: Hypokalemic Periodic Paralysis Type 1 (AD); HypoPP. Identifiers: Orphanet 681, MedGen C3714580, MONDO:0042979, OMIM 170400.

Submission:

Labcorp Genetics (formerly Invitae), Labcorp
Classification: Uncertain significance for Hypokalemic periodic paralysis, type 1; Malignant hyperthermia, susceptibility to, 5. Last evaluated: 2026-02-01. Review status: criteria provided, single submitter. Criteria: Invitae Variant Classification Sherloc (09022015). Collection method: clinical testing. Allele origin: germline.
Comment: This sequence change replaces cysteine, which is neutral and slightly polar, with tyrosine, which is neutral and polar, at codon 638 of the CACNA1S protein (p.Cys638Tyr). This variant is not present in population databases (gnomAD no frequency). This variant has not been reported in the literature in individuals affected with CACNA1S-related conditions. Invitae Evidence Modeling of protein sequence and biophysical properties (such as structural, functional, and spatial information, amino acid conservation, physicochemical variation, residue mobility, and thermodynamic stability) indicates that this missense variant is not expected to disrupt CACNA1S protein function with a negative predictive value of 95%. In summary, the available evidence is currently insufficient to determine the role of this variant in disease. Therefore, it has been classified as a Variant of Uncertain Significance.

NM_000069.3(CACNA1S):c.1913G>A (p.Cys638Tyr)

Gene: CACNA1S (calcium voltage-gated channel subunit alpha1 S; minus strand). Cytogenetic location: 1q32.1.
Variant type: single nucleotide variant.
Coding change: c.1913G>A on transcript NM_000069.3 (MANE Select); coding-DNA position 1913, G replaced by A.
Protein change: p.Cys638Tyr; replaces cysteine 638 with tyrosine.
Molecular consequence: missense variant.
Genome position (GRCh38, 1-based): chr1:201,075,530, C>T on the plus strand (G>A on the coding strand, the complement: CACNA1S is on the minus strand). VCF-style: chr1-201075530-C-T. GRCh37 (hg19) VCF-style: chr1-201044658-C-T.
Other names: short protein forms C638Y.
Identifiers: ClinVar variation 4783235 (VCV004783235.1).